The following is an entry in ClinVar:

NM_000077.5(CDKN2A):c.2T>C (p.Met1Thr)

Genes: CDKN2A (cyclin dependent kinase inhibitor 2A; minus strand), LOC130001603 (ATAC-STARR-seq lymphoblastoid silent region 19811; plus strand). Cytogenetic location: 9p21.3.
Variant type: single nucleotide variant.
Coding change: c.2T>C on transcript NM_000077.5; coding-DNA position 2, T replaced by C.
Protein change: p.Met1Thr; changes the start codon (methionine 1).
Molecular consequence: missense variant (on NM_000077.6). On other transcripts: initiator codon variant (2), intron variant (2).
Genome position (GRCh38, 1-based): chr9:21,974,826, A>G on the plus strand (T>C on the coding strand, the complement: CDKN2A is on the minus strand). VCF-style: chr9-21974826-A-G. GRCh37 (hg19) VCF-style: chr9-21974825-A-G.
Other names: c.2T>C, p.Met1Thr (NM_000077.6, NM_001195132.2, NM_058197.5); c.-3-3618T>C (NM_001363763.2); c.194-3618T>C (NM_058195.4); short protein forms M1T.
Identifiers: ClinVar variation 483341 (VCV000483341.13), dbSNP rs759871071, ClinGen allele CA373086744.

ClinVar aggregate classification (germline): Uncertain significance. Review status: criteria provided, multiple submitters, no conflicts (2 of 4 stars). 3 submissions from 3 submitters: Uncertain significance (3). Last evaluated 2025-12-02.

Conditions:
Hereditary cancer-predisposing syndrome. Also called: Tumor predisposition; Hereditary Cancer Syndrome; Neoplastic Syndromes, Hereditary; Hereditary neoplastic syndrome. Identifiers: Orphanet 140162, MedGen C0027672, MeSH D009386, MONDO:0015356.
Melanoma-pancreatic cancer syndrome. Identifiers: Orphanet 404560, MedGen C1838547, MONDO:0011713, OMIM 606719. Disease mechanism: loss of function.
Familial melanoma. Also called: Hereditary melanoma; Hereditary cutaneous melanoma. Identifiers: Orphanet 618, MedGen C1512419, MONDO:0018961.

Submissions (3):

Ambry Genetics
Classification: Uncertain significance for Hereditary cancer-predisposing syndrome. Last evaluated: 2025-12-02. Review status: criteria provided, single submitter. Criteria: Ambry Variant Classification Scheme 2023. Collection method: clinical testing. Allele origin: germline.
Comment: The p.M1? variant (also known as c.2T>C), located in coding exon 1 of the CDKN2A gene, results from a T to C substitution at nucleotide position 2. This alters the methionine residue at the initiation codon. Variations that modify the initiation codon (ATG) are expected to result in either loss of translation initiation, N-terminal truncation, or cause a shift in the mRNA reading frame; however, there is an alternate in-frame methionine nine amino acids from the initiation site and the significance of the N-terminus for this protein is not well established. This alteration has been detected in one individual affected with melanoma, in the absence of a family history of melanoma (Ghiorzo P et al. Exp. Dermatol., 2012 Sep;21:718-20). This amino acid position is not well conserved in available vertebrate species. Based on the available evidence, the clinical significance of this variant remains unclear.

Molecular Pathology, Peter Maccallum Cancer Centre
Classification: Uncertain significance for Melanoma-pancreatic cancer syndrome. Last evaluated: 2025-01-06. Review status: criteria provided, single submitter. Criteria: ACMG Guidelines, 2015. Collection method: clinical testing. Allele origin: germline. Inheritance: Autosomal dominant inheritance.

Labcorp Genetics (formerly Invitae), Labcorp
Classification: Uncertain significance for Familial melanoma. Last evaluated: 2024-06-18. Review status: criteria provided, single submitter. Criteria: Invitae Variant Classification Sherloc (09022015). Collection method: clinical testing. Allele origin: germline.
Comment: This sequence change affects the initiator methionine of the CDKN2A (p16INK4a) mRNA. The next in-frame methionine is located at codon 9. This variant is not present in population databases (gnomAD no frequency). This variant has not been reported in the literature in individuals affected with CDKN2A (p16INK4a)-related conditions. ClinVar contains an entry for this variant (Variation ID: 483341). In summary, the available evidence is currently insufficient to determine the role of this variant in disease. Therefore, it has been classified as a Variant of Uncertain Significance.

Literature cited by the submitters: PubMed 22804906 (cited by Ambry Genetics).